The following is an entry in ClinVar:

NM_015662.3(IFT172):c.183G>C (p.Lys61Asn)

Gene: IFT172 (intraflagellar transport 172; minus strand). Cytogenetic location: 2p23.3.
Variant type: single nucleotide variant.
Coding change: c.183G>C on transcript NM_015662.3 (MANE Select); coding-DNA position 183, G replaced by C.
Protein change: p.Lys61Asn; replaces lysine 61 with asparagine.
Molecular consequence: missense variant.
Genome position (GRCh38, 1-based): chr2:27,485,360, C>G on the plus strand (G>C on the coding strand, the complement: IFT172 is on the minus strand). VCF-style: chr2-27485360-C-G. GRCh37 (hg19) VCF-style: chr2-27708227-C-G.
Other names: c.183G>C, p.Lys61Asn (NM_001410739.1); short protein forms K61N.
Identifiers: ClinVar variation 4982976 (VCV004982976.1).

ClinVar aggregate classification (germline): Uncertain significance (1 of 4 stars; one submission).

Conditions:
IFT172-related disorder. Also called: IFT172-related disorders; IFT172-related condition.

Submission:

PreventionGenetics, part of Exact Sciences
Classification: Uncertain significance for IFT172-related condition. Last evaluated: 2025-03-12. Review status: criteria provided, single submitter. Criteria: ACMG Guidelines, 2015. Collection method: clinical testing. Allele origin: germline.
Comment: The IFT172 c.183G>C variant is predicted to result in the amino acid substitution p.Lys61Asn. To our knowledge, this variant has not been reported in the literature or in a large population database (gnomAD), indicating this variant is rare. At this time, the clinical significance of this variant is uncertain due to the absence of conclusive functional and genetic evidence.